The following is an entry in ClinVar:

ClinVar aggregate classification (germline): Uncertain significance. Review status: criteria provided, multiple submitters, no conflicts (2 of 4 stars). 4 submissions from 4 submitters: Uncertain significance (3). 1 of the submissions does not count toward it. Last evaluated 2024-06-09.

Conditions:
Hereditary cancer-predisposing syndrome. Also called: Neoplastic Syndromes, Hereditary; Hereditary Cancer Syndrome; Hereditary neoplastic syndrome; Tumor predisposition. Identifiers: Orphanet 140162, MedGen C0027672, MeSH D009386, MONDO:0015356.
Ataxia-telangiectasia syndrome (AT). Also called: ATAXIA-TELANGIECTASIA, COMPLEMENTATION GROUP A; ATAXIA-TELANGIECTASIA, FRESNO VARIANT; Ataxia-telangiectasia, complementation group E; Ataxia telangiectasia (A-T); LOUIS-BAR SYNDROME; Cerebello-oculocutaneous telangiectasia. Identifiers: Orphanet 100, MedGen C0004135, MONDO:0008840, OMIM 208900.

Allele frequency attached by ClinVar (database versions not stated): gnomAD exomes below 0.00001.
gnomAD v4.1: 1 of 1,610,002 alleles (0.000062%); highest among the groups gnomAD compares: Non-Finnish European, 0.000085%; no homozygotes.

Submissions (4):

Labcorp Genetics (formerly Invitae), Labcorp
Classification: Uncertain significance for Ataxia-telangiectasia syndrome. Last evaluated: 2024-06-09. Review status: criteria provided, single submitter. Criteria: Invitae Variant Classification Sherloc (09022015). Collection method: clinical testing. Allele origin: germline.
Comment: This sequence change replaces glutamic acid, which is acidic and polar, with lysine, which is basic and polar, at codon 1832 of the ATM protein (p.Glu1832Lys). This variant is not present in population databases (gnomAD no frequency). This variant has not been reported in the literature in individuals affected with ATM-related conditions. ClinVar contains an entry for this variant (Variation ID: 825770). An algorithm developed to predict the effect of missense changes on protein structure and function (PolyPhen-2) suggests that this variant¬†is likely to be tolerated. In summary, the available evidence is currently insufficient to determine the role of this variant in disease. Therefore, it has been classified as a Variant of Uncertain Significance.

Ambry Genetics
Classification: Uncertain significance for Hereditary cancer-predisposing syndrome. Last evaluated: 2023-09-15. Review status: criteria provided, single submitter. Criteria: Ambry Variant Classification Scheme 2023. Collection method: clinical testing. Allele origin: germline.
Comment: The p.E1832K variant (also known as c.5494G>A), located in coding exon 35 of the ATM gene, results from a G to A substitution at nucleotide position 5494. The glutamic acid at codon 1832 is replaced by lysine, an amino acid with similar properties. This amino acid position is highly conserved in available vertebrate species. In addition, the in silico prediction for this alteration is inconclusive. Since supporting evidence is limited at this time, the clinical significance of this alteration remains unclear.

Color Diagnostics, LLC DBA Color Health
Classification: Uncertain significance for Hereditary cancer-predisposing syndrome. Last evaluated: 2021-08-04. Review status: criteria provided, single submitter. Criteria: ACMG Guidelines, 2015. Collection method: clinical testing. Allele origin: germline.
Comment: This missense variant replaces glutamic acid with lysine at codon 1832 of the ATM protein. Computational prediction suggests that this variant may not impact protein structure and function (internally defined REVEL score threshold <= 0.5, PMID: 27666373). To our knowledge, functional studies have not been reported for this variant. This variant has not been reported in individuals affected with hereditary cancer in the literature. This variant has not been identified in the general population by the Genome Aggregation Database (gnomAD). The available evidence is insufficient to determine the role of this variant in disease conclusively. Therefore, this variant is classified as a Variant of Uncertain Significance.

Natera, Inc.
Classification: Uncertain significance for Ataxia-telangiectasia. Last evaluated: 2020-12-02. Review status: no assertion criteria provided. Collection method: clinical testing. Allele origin: germline. Not counted in ClinVar's aggregate classification.

NM_000051.4(ATM):c.5494G>A (p.Glu1832Lys)

Gene: ATM (ATM serine/threonine kinase; plus strand). Cytogenetic location: 11q22.3.
Variant type: single nucleotide variant.
Coding change: c.5494G>A on transcript NM_000051.4 (MANE Select); coding-DNA position 5494, G replaced by A.
Protein change: p.Glu1832Lys; replaces glutamic acid 1832 with lysine.
Molecular consequence: missense variant.
Genome position (GRCh38, 1-based): chr11:108,303,027, G>A. VCF-style: chr11-108303027-G-A. GRCh37 (hg19) VCF-style: chr11-108173754-G-A.
Other names: c.5494G>A, p.Glu1832Lys (NM_001351834.2); short protein forms E1832K.
Identifiers: ClinVar variation 825770 (VCV000825770.17), dbSNP rs1591713057, ClinGen allele CA382544515.